The following is an entry in ClinVar:

ClinVar aggregate classification (germline): Uncertain significance. Review status: criteria provided, multiple submitters, no conflicts (2 of 4 stars). 2 submissions from 2 submitters: Uncertain significance (2). Last evaluated 2024-04-09.

Allele frequency attached by ClinVar (database versions not stated): TOPMed below 0.00001; gnomAD exomes 0.00001.

Submissions (2):

Labcorp Genetics (formerly Invitae), Labcorp
Classification: Uncertain significance. Last evaluated: 2024-04-09. Review status: criteria provided, single submitter. Criteria: Invitae Variant Classification Sherloc (09022015). Collection method: clinical testing. Allele origin: germline.
Comment: This sequence change creates a premature translational stop signal (p.Asn563Lysfs*53) in the CEP89 gene. It is expected to result in an absent or disrupted protein product. However, the current clinical and genetic evidence is not sufficient to establish whether loss-of-function variants in CEP89 cause disease. This variant is not present in population databases (gnomAD no frequency). This variant has not been reported in the literature in individuals affected with CEP89-related conditions. In summary, the available evidence is currently insufficient to determine the role of this variant in disease. Therefore, it has been classified as a Variant of Uncertain Significance.

Ambry Genetics
Classification: Uncertain significance. Last evaluated: 2024-01-04. Review status: criteria provided, single submitter. Criteria: Ambry Variant Classification Scheme 2023. Collection method: clinical testing. Allele origin: germline.
Comment: Does not currently meet published gene-disease clinical validity criteria Based on insufficient or conflicting evidence, the clinical significance of this alteration remains unclear.

Literature cited by the submitters: PubMed 28106320 (cited by Ambry Genetics).

NM_032816.5(CEP89):c.1689del (p.Asn563fs)

Gene: CEP89 (centrosomal protein 89; minus strand). Cytogenetic location: 19q13.11.
Variant type: Deletion.
Coding change: c.1689del on transcript NM_032816.5 (MANE Select); coding-DNA position 1689, one base deleted (C; older notation c.1689delC).
Protein change: p.Asn563fs; shifts the reading frame from asparagine 563.
Molecular consequence: frameshift variant.
Genome position (GRCh38, 1-based): chr19:32,901,289, G deleted on the plus strand (C on the coding strand, the reverse complement: CEP89 is on the minus strand). VCF-style (leftmost placement, unchanged base first): chr19-32901288-TG-T. GRCh37 (hg19) VCF-style: chr19-33392194-TG-T.
Other names: short protein forms N563fs.
Identifiers: ClinVar variation 3143085 (VCV003143085.3), dbSNP rs1969764452, ClinGen allele CA913015845.